The following is an entry in ClinVar:

ClinVar aggregate classification (germline): Pathogenic (1 of 4 stars; one submission).

Submission:

Labcorp Genetics (formerly Invitae), Labcorp
Classification: Pathogenic. Last evaluated: 2023-07-10. Review status: criteria provided, single submitter. Criteria: Invitae Variant Classification Sherloc (09022015). Collection method: clinical testing. Allele origin: unknown.
Comment: This variant is a gross deletion of the genomic region encompassing exon(s) 6-8 of the EIF2B2 gene, which includes the termination codon. This deletion extends beyond the assayed region for this gene and therefore may encompass additional genes. While this deletion is not anticipated to lead to nonsense mediated decay, it is expected to alter mRNA translation or result in a truncated protein product. This variant has not been reported in the literature in individuals affected with EIF2B2-related conditions. This variant disrupts a region of the EIF2B2 protein in which other variant(s) (p.Lys273Arg) have been determined to be pathogenic (PMID: 11704758, 15054402, 21560189, 29706645, 34745209). This suggests that this is a clinically significant region of the protein, and that variants that disrupt it are likely to be disease-causing. For these reasons, this variant has been classified as Pathogenic.

Literature cited by the submitters: PubMed 11704758; PubMed 15054402; PubMed 21560189; PubMed 29706645; PubMed 34745209.

NC_000014.8:g.(?_75473260)_(75475891_?)del

Gene: EIF2B2 (eukaryotic translation initiation factor 2B subunit beta; plus strand). Cytogenetic location: 14q24.3.
Variant type: Deletion.
Identifiers: ClinVar variation 3244090 (VCV003244090.1).